The following is an entry in ClinVar:

NM_001146.5(ANGPT1):c.1400A>T (p.Asn467Ile)

Gene: ANGPT1 (angiopoietin 1; minus strand). Cytogenetic location: 8q23.1.
Variant type: single nucleotide variant.
Coding change: c.1400A>T on transcript NM_001146.5 (MANE Select); coding-DNA position 1400, A replaced by T.
Protein change: p.Asn467Ile; replaces asparagine 467 with isoleucine.
Molecular consequence: missense variant.
Genome position (GRCh38, 1-based): chr8:107,251,952, T>A on the plus strand (A>T on the coding strand, the complement: ANGPT1 is on the minus strand). VCF-style: chr8-107251952-T-A. GRCh37 (hg19) VCF-style: chr8-108264180-T-A.
Other names: c.1397A>T, p.Asn466Ile (NM_001199859.3); c.800A>T, p.Asn267Ile (NM_001314051.2); short protein forms N267I, N466I, N467I.
Identifiers: ClinVar variation 3623454 (VCV003623454.2).
Genomic context (GRCh38, chr8:107,251,952, plus strand): 5'-CGTAAGGAGTAACTGGGCCCTTTGAAGTAGTGCCACTTTATCCCATTCAGTTTTCCATGG[T>A]TTTGTCCCGCAGTATAGAACATTCCATTTAGATTGGAGGGGCCACAAGCATCAAACCACC-3'
Protein context (NP_001137.2, residues 457-477): LNGMFYTAGQ[Asn467Ile]HGKLNGIKWH

ClinVar aggregate classification (germline): Uncertain significance (1 of 4 stars; one submission).

gnomAD v4.1: 10 of 1,613,776 alleles (0.00062%); highest among the groups gnomAD compares: Admixed American, 0.0083%; no homozygotes.

Submission:

Labcorp Genetics (formerly Invitae), Labcorp
Classification: Uncertain significance. Last evaluated: 2025-04-16. Review status: criteria provided, single submitter. Criteria: Invitae Variant Classification Sherloc (09022015). Collection method: clinical testing. Allele origin: germline.
Comment: This sequence change replaces asparagine, which is neutral and polar, with isoleucine, which is neutral and non-polar, at codon 467 of the ANGPT1 protein (p.Asn467Ile). This variant is present in population databases (no rsID available, gnomAD 0.003%). This variant has not been reported in the literature in individuals affected with ANGPT1-related conditions. ClinVar contains an entry for this variant (Variation ID: 3623454). An algorithm developed to predict the effect of missense changes on protein structure and function (PolyPhen-2) suggests that this variant is likely to be disruptive. In summary, the available evidence is currently insufficient to determine the role of this variant in disease. Therefore, it has been classified as a Variant of Uncertain Significance.